The following is an entry in ClinVar:

NM_000642.3(AGL):c.214_215del (p.Glu72fs)

Gene: AGL (amylo-alpha-1,6-glucosidase and 4-alpha-glucanotransferase; plus strand). Cytogenetic location: 1p21.2.
Variant type: Deletion.
Coding change: c.214_215del on transcript NM_000642.3 (MANE Select); coding-DNA positions 214 to 215, 2 bases deleted (GA; older notation c.214_215delGA).
Protein change: p.Glu72fs; shifts the reading frame from glutamic acid 72.
Molecular consequence: frameshift variant.
Genome position (GRCh38, 1-based): chr1:99,861,634-99,861,635, GA deleted; deleting any 2 consecutive bases within chr1:99,861,633-99,861,635 gives the same sequence; the c. name uses the placement nearest the transcript's 3' end. VCF-style (leftmost placement, unchanged base first): chr1-99861632-CAG-C. GRCh37 (hg19) VCF-style: chr1-100327188-CAG-C.
Other names: c.214_215delGA (NM_000642.2); c.214_215delGA, p.Glu72Lysfs (NM_000028.3, NM_000643.3, NM_000644.3 and 5 more transcripts); c.166_167delGA, p.Glu56Lysfs (NM_000646.3); short protein forms E56fs, E72fs.
Identifiers: ClinVar variation 940640 (VCV000940640.13), dbSNP rs754978531, ClinGen allele CA966087.
Genomic context (GRCh38, chr1:99,861,632, plus strand): 5'-CATTTCCTGGAGAAACATTTAATAGAGAAAAATTCCGTTCTCTGGATTGGGAAAATCCAA[CAG>C]AAAGAGAAGATGATTCTGATAAATACTGTAAACTTAATCTGCAACAATCTGGTTCATTTC-3'

ClinVar aggregate classification (germline): Pathogenic/Likely pathogenic. Review status: criteria provided, multiple submitters, no conflicts (2 of 4 stars). 4 submissions from 4 submitters: Pathogenic (2); Likely pathogenic (2). Last evaluated 2025-03-12.

Conditions:
Glycogen storage disease type III (GSD3). Also called: Cori disease; FORBES DISEASE. Identifiers: Orphanet 366, MedGen C0017922, MONDO:0009291, OMIM 232400.

Submissions (4):

Labcorp Genetics (formerly Invitae), Labcorp
Classification: Pathogenic for Glycogen storage disease type III. Last evaluated: 2025-03-12. Review status: criteria provided, single submitter. Criteria: Invitae Variant Classification Sherloc (09022015). Collection method: clinical testing. Allele origin: germline.
Comment: This sequence change creates a premature translational stop signal (p.Glu72Lysfs*4) in the AGL gene. It is expected to result in an absent or disrupted protein product. Loss-of-function variants in AGL are known to be pathogenic (PMID: 19299494). This variant is present in population databases (rs754978531, gnomAD 0.003%). This variant has not been reported in the literature in individuals affected with AGL-related conditions. ClinVar contains an entry for this variant (Variation ID: 940640). For these reasons, this variant has been classified as Pathogenic.

Baylor Genetics
Classification: Pathogenic for Glycogen storage disease type III. Last evaluated: 2023-12-27. Review status: criteria provided, single submitter. Criteria: ACMG Guidelines, 2015. Collection method: clinical testing. Allele origin: unknown.

Genome-Nilou Lab
Classification: Likely pathogenic for Glycogen storage disease type III. Last evaluated: 2023-04-11. Review status: criteria provided, single submitter. Criteria: ACMG Guidelines, 2015. Collection method: clinical testing. Allele origin: germline. Affected: no.

Women's Health and Genetics/Laboratory Corporation of America, LabCorp
Classification: Likely pathogenic for Glycogen storage disease type III. Last evaluated: 2023-01-31. Review status: criteria provided, single submitter. Criteria: LabCorp Variant Classification Summary - May 2015. Collection method: clinical testing. Allele origin: germline.
Comment: Variant summary: AGL c.214_215delGA (p.Glu72LysfsX4) results in a premature termination codon, predicted to cause a truncation of the encoded protein or absence of the protein due to nonsense mediated decay, which are commonly known mechanisms for disease. Truncations downstream of this position have been classified as pathogenic by our laboratory. The variant allele was found at a frequency of 4e-06 in 251208 control chromosomes (gnomAD). To our knowledge, no occurrence of c.214_215delGA in individuals affected with Glycogen Storage Disease Type III and no experimental evidence demonstrating its impact on protein function have been reported. One ClinVar submitter (evaluation after 2014) cites this variant as pathogenic. Based on the evidence outlined above, the variant was classified as likely pathogenic.

Literature cited by the submitters: PubMed 19299494 (cited by Labcorp Genetics (formerly Invitae), Labcorp).